The following is an entry in ClinVar:

NM_000399.5(EGR2):c.210G>C (p.Ser70=)

Gene: EGR2 (early growth response 2; minus strand). Cytogenetic location: 10q21.3.
Variant type: single nucleotide variant.
Coding change: c.210G>C on transcript NM_000399.5 (MANE Select); coding-DNA position 210, G replaced by C.
Protein change: p.Ser70=; no amino-acid change (serine 70 retained).
Molecular consequence: synonymous variant.
Genome position (GRCh38, 1-based): chr10:62,814,428, C>G on the plus strand (G>C on the coding strand, the complement: EGR2 is on the minus strand). VCF-style: chr10-62814428-C-G. GRCh37 (hg19) VCF-style: chr10-64574188-C-G.
Other names: c.210G>C, p.Ser70= (NM_001136177.3, NM_001136178.2); c.60G>C, p.Ser20= (NM_001136179.3, NM_001321037.2).
Identifiers: ClinVar variation 1123621 (VCV001123621.32), dbSNP rs776156156, ClinGen allele CA5517303.

ClinVar aggregate classification (germline): Likely benign. Review status: criteria provided, multiple submitters, no conflicts (2 of 4 stars). 2 submissions from 2 submitters: Likely benign (2). Last evaluated 2025-02-13.

Conditions:
Charcot-Marie-Tooth disease, type I (CMT1). Also called: Charcot-Marie-Tooth disease type 1; Charcot-Marie-Tooth, Type 1. Identifiers: Orphanet 65753, MedGen C0751036, MONDO:0019011.

gnomAD v4.1: 4 of 1,614,090 alleles (0.00025%); highest among the groups gnomAD compares: Non-Finnish European, 0.00034%; no homozygotes.

Submissions (2):

Labcorp Genetics (formerly Invitae), Labcorp
Classification: Likely benign for Charcot-Marie-Tooth disease, type I. Last evaluated: 2025-02-13. Review status: criteria provided, single submitter. Criteria: Invitae Variant Classification Sherloc (09022015). Collection method: clinical testing. Allele origin: germline.

CeGaT Center for Human Genetics Tuebingen
Classification: Likely benign. Last evaluated: 2023-03-01. Review status: criteria provided, single submitter. Criteria: CeGaT Center For Human Genetics Tuebingen Variant Classification Criteria Version 2. Collection method: clinical testing. Allele origin: germline. Affected: yes. Observed: 1 variant allele.
Comment: EGR2: BP4, BP7